The following is an entry in ClinVar:

ClinVar aggregate classification (germline): Uncertain significance. Review status: criteria provided, multiple submitters, no conflicts (2 of 4 stars). 2 submissions from 2 submitters: Uncertain significance (2). Last evaluated 2025-04-21.

Conditions:
Hyperornithinemia-hyperammonemia-homocitrullinuria syndrome (HHHS). Also called: Ornithine translocase deficiency; HHH SYNDROME. Identifiers: Orphanet 415, MedGen C0268540, MONDO:0009393, OMIM 238970.

Allele frequency attached by ClinVar (database versions not stated): gnomAD exomes 0.00001 and 0.00002; ExAC 0.00002; TOPMed 0.00003.
gnomAD v4.1: 13 of 1,614,162 alleles (0.00081%); highest among the groups gnomAD compares: Admixed American, 0.005%; no homozygotes.

Submissions (2):

Labcorp Genetics (formerly Invitae), Labcorp
Classification: Uncertain significance for Hyperornithinemia-hyperammonemia-homocitrullinuria syndrome. Last evaluated: 2025-04-21. Review status: criteria provided, single submitter. Criteria: Invitae Variant Classification Sherloc (09022015). Collection method: clinical testing. Allele origin: germline.
Comment: This sequence change replaces serine, which is neutral and polar, with asparagine, which is neutral and polar, at codon 194 of the SLC25A15 protein (p.Ser194Asn). This variant is present in population databases (rs746179010, gnomAD 0.009%). This variant has not been reported in the literature in individuals affected with SLC25A15-related conditions. ClinVar contains an entry for this variant (Variation ID: 1063397). Invitae Evidence Modeling of protein sequence and biophysical properties (such as structural, functional, and spatial information, amino acid conservation, physicochemical variation, residue mobility, and thermodynamic stability) has been performed for this missense variant. However, the output from this modeling did not meet the statistical confidence thresholds required to predict the impact of this variant on SLC25A15 protein function. In summary, the available evidence is currently insufficient to determine the role of this variant in disease. Therefore, it has been classified as a Variant of Uncertain Significance.

Blueprint Genetics
Classification: Uncertain significance. Last evaluated: 2024-10-22. Review status: criteria provided, single submitter. Criteria: ACMG Guidelines, 2015. Collection method: clinical testing. Allele origin: germline.

NM_014252.4(SLC25A15):c.581G>A (p.Ser194Asn)

Gene: SLC25A15 (solute carrier family 25 member 15; plus strand). Cytogenetic location: 13q14.11.
Variant type: single nucleotide variant.
Coding change: c.581G>A on transcript NM_014252.4 (MANE Select); coding-DNA position 581, G replaced by A.
Protein change: p.Ser194Asn; replaces serine 194 with asparagine.
Molecular consequence: missense variant.
Genome position (GRCh38, 1-based): chr13:40,807,422, G>A. VCF-style: chr13-40807422-G-A. GRCh37 (hg19) VCF-style: chr13-41381558-G-A.
Other names: short protein forms S194N.
Identifiers: ClinVar variation 1063397 (VCV001063397.4), dbSNP rs746179010, ClinGen allele CA6959766.